The following is an entry in ClinVar:

NM_152384.3(BBS5):c.613C>G (p.Gln205Glu)

Gene: BBS5 (Bardet-Biedl syndrome 5; plus strand). Cytogenetic location: 2q31.1.
Variant type: single nucleotide variant.
Coding change: c.613C>G on transcript NM_152384.3 (MANE Select); coding-DNA position 613, C replaced by G.
Protein change: p.Gln205Glu; replaces glutamine 205 with glutamic acid.
Molecular consequence: missense variant.
Genome position (GRCh38, 1-based): chr2:169,493,831, C>G. VCF-style: chr2-169493831-C-G. GRCh37 (hg19) VCF-style: chr2-170350341-C-G.
Other names: short protein forms Q205E.
Identifiers: ClinVar variation 4977182 (VCV004977182.1).
Genomic context (GRCh38, chr2:169,493,831, plus strand): 5'-GTGAGAATTGTGTGGCATGCAAATATGAATGATAGTTTTAATGTCAGTATACCATATCTG[C>G]AAATTGTAAGTACATACATTTTGATGACCTTATTTTAATGTAAAATAAATATTTTTTGTT-3'
Protein context (NP_689597.1, residues 195-215): DSFNVSIPYL[Gln205Glu]IRSIKIRDSK

ClinVar aggregate classification (germline): Uncertain significance (1 of 4 stars; one submission).

Conditions:
BBS5-related disorder. Also called: BBS5-related condition.

Submission:

PreventionGenetics, part of Exact Sciences
Classification: Uncertain significance for BBS5-related condition. Last evaluated: 2025-02-06. Review status: criteria provided, single submitter. Criteria: ACMG Guidelines, 2015. Collection method: clinical testing. Allele origin: germline.
Comment: The BBS5 c.613C>G variant is predicted to result in the amino acid substitution p.Gln205Glu. To our knowledge, this variant has not been reported in the literature or in a large population database (gnomAD), indicating this variant is rare. At this time, the clinical significance of this variant is uncertain due to the absence of conclusive functional and genetic evidence.